The following is an entry in ClinVar:

ClinVar aggregate classification (germline): Pathogenic (1 of 4 stars; one submission).

Conditions:
Lymphoproliferative syndrome 1 (LPFS1). Identifiers: Orphanet 238505, Orphanet 538963, MedGen C3552634, MONDO:0013081, OMIM 613011.

Submission:

Labcorp Genetics (formerly Invitae), Labcorp
Classification: Pathogenic for Lymphoproliferative syndrome 1. Last evaluated: 2022-03-06. Review status: criteria provided, single submitter. Criteria: Invitae Variant Classification Sherloc (09022015). Collection method: clinical testing. Allele origin: germline.
Comment: A gross deletion of the genomic region encompassing the full coding sequence of the ITK gene has been identified. Loss-of-function variants in ITK are known to be pathogenic (PMID: 16860760, 22289921, 26056787). The boundaries of this event are unknown as they extend beyond the assayed region for this gene and therefore may encompass additional genes. This variant has not been reported in the literature in individuals affected with ITK-related conditions. For these reasons, this variant has been classified as Pathogenic.

Literature cited by the submitters: PubMed 16860760; PubMed 22289921; PubMed 26056787.

NC_000005.9:g.(?_155338082)_(156899968_?)del

Genes: TIMD4 (T cell immunoglobulin and mucin domain containing 4; minus strand), NIPAL4 (NIPA like domain containing 4; plus strand), SGCD (sarcoglycan delta; plus strand), HAVCR1 (hepatitis A virus cellular receptor 1; minus strand), CYFIP2 (cytoplasmic FMR1 interacting protein 2; plus strand) and 5 more. Cytogenetic location: 5q33.2-33.3.
Variant type: Deletion.
Identifiers: ClinVar variation 2425364 (VCV002425364.4).